The following is an entry in ClinVar:

ClinVar aggregate classification (germline): Uncertain significance (1 of 4 stars; one submission).

Conditions:
O'Donnell-Luria-Rodan syndrome (ODLURO). Also called: KMT2E-Related Neurodevelopmental Disorder. Identifiers: MedGen C5193138, MONDO:0032793, OMIM 618512.

gnomAD v4.1: 10 of 1,613,664 alleles (0.00062%); highest among the groups gnomAD compares: South Asian, 0.011%; 1 homozygote.

Submission:

Neuberg Centre For Genomic Medicine, NCGM
Classification: Uncertain significance for O'Donnell-Luria-Rodan syndrome. Review status: criteria provided, single submitter. Criteria: ACMG Guidelines, 2015. Collection method: clinical testing. Allele origin: germline. Inheritance: Autosomal dominant inheritance. Affected: yes.
Comment: The observed missense c.3423G>C p.Leu1141Phe variant in KMT2E gene has not been reported previously as a pathogenic variant nor as a benign variant, to our knowledge. The p.Leu1141Phe variant has allele frequency 0.001% in gnomAD Exomes. This variant has not been submitted to the ClinVar database. Multiple lines of computational evidence Polyphen - Possibly damaging, SIFT – Damaging and Mutation Taster - Disease causing predict a damaging effect on protein structure and function for this variant. The reference amino acid on KMT2E gene is predicted as conserved by GERP++ and PhyloP across 100 vertebrates. The amino acid Leu at position 1141 is changed to a Phe changing protein sequence and it might alter its composition and physico-chemical properties. For these reasons, this variant has been classified as Variant of Uncertain Significance VUS.

NM_182931.3(KMT2E):c.3423G>C (p.Leu1141Phe)

Gene: KMT2E (lysine methyltransferase 2E (inactive); plus strand). Cytogenetic location: 7q22.3.
Variant type: single nucleotide variant.
Coding change: c.3423G>C on transcript NM_182931.3 (MANE Select); coding-DNA position 3423, G replaced by C.
Protein change: p.Leu1141Phe; replaces leucine 1141 with phenylalanine.
Molecular consequence: missense variant.
Genome position (GRCh38, 1-based): chr7:105,107,880, G>C. VCF-style: chr7-105107880-G-C. GRCh37 (hg19) VCF-style: chr7-104748327-G-C.
Other names: c.3423G>C, p.Leu1141Phe (NM_001410908.1, NM_018682.4); short protein forms L1141F.
Identifiers: ClinVar variation 3393430 (VCV003393430.1).